The following is an entry in ClinVar:

ClinVar aggregate classification (germline): Conflicting classifications of pathogenicity. Review status: criteria provided, conflicting classifications (1 of 4 stars). 5 submissions from 5 submitters: Uncertain significance (1); Likely benign (4). Last evaluated 2026-08-11.

Conditions:
ADGRV1-related disorder. Also called: ADGRV1-related disorders; ADGRV1-related condition.
Usher syndrome type 2C. Also called: Usher syndrome, type 2B; USHER SYNDROME, TYPE IIC. Identifiers: Orphanet 231178, Orphanet 886, MedGen C2931213, MONDO:0011558, OMIM 605472.

Allele frequency attached by ClinVar (database versions not stated): gnomAD exomes 0.00011; ExAC 0.00012; gnomAD 0.00006; TOPMed 0.00008.
gnomAD v4.1: 43 of 1,611,802 alleles (0.0027%); highest among the groups gnomAD compares: East Asian, 0.058%; 1 homozygote.

Submissions (5):

PreventionGenetics, part of Exact Sciences
Classification: Likely benign for ADGRV1-related condition. Last evaluated: 2026-08-11. Review status: criteria provided, single submitter. Criteria: ACMG Guidelines, 2015. Collection method: clinical testing. Allele origin: germline.
Comment: This variant is classified as likely benign based on ACMG/AMP sequence variant interpretation guidelines (Richards et al. 2015 PMID: 25741868, with internal and published modifications).

Labcorp Genetics (formerly Invitae), Labcorp
Classification: Likely benign. Last evaluated: 2026-01-26. Review status: criteria provided, single submitter. Criteria: Invitae Variant Classification Sherloc (09022015). Collection method: clinical testing. Allele origin: germline.

Blueprint Genetics
Classification: Likely benign. Last evaluated: 2021-08-11. Review status: criteria provided, single submitter. Criteria: ACMG Guidelines, 2015. Collection method: clinical testing. Allele origin: germline.

Illumina Laboratory Services, Illumina
Classification: Uncertain significance for Usher syndrome type 2C. Last evaluated: 2018-01-13. Review status: criteria provided, single submitter. Criteria: ICSL Variant Classification Criteria 13 December 2019. Collection method: clinical testing. Allele origin: germline.

Laboratory for Molecular Medicine, Mass General Brigham Personalized Medicine
Classification: Likely benign. Last evaluated: 2012-08-28. Review status: criteria provided, single submitter. Criteria: LMM Criteria. Collection method: clinical testing. Allele origin: germline. Observed: 1 variant allele.
Comment: Pro4196Ser in Exon 62 of GPR98: This variant has not been reported in the litera ture nor previously identified by our laboratory. However, computational analyse s (biochemical amino acid properties, conservation, AlignGVGD, PolyPhen2, and SI FT) suggest that the Pro4196Ser variant may not impact the protein. In particula r, this variant occurs in another mammal (shrew) despite nearby conservation. Th erefore, this variant is likely benign.

NM_032119.4(ADGRV1):c.12586C>T (p.Pro4196Ser)

Gene: ADGRV1 (adhesion G protein-coupled receptor V1; plus strand). Cytogenetic location: 5q14.3.
Variant type: single nucleotide variant.
Coding change: c.12586C>T on transcript NM_032119.4 (MANE Select); coding-DNA position 12586, C replaced by T.
Protein change: p.Pro4196Ser; replaces proline 4196 with serine.
Molecular consequence: missense variant. On other transcripts: non-coding transcript variant (1).
Genome position (GRCh38, 1-based): chr5:90,777,963, C>T. VCF-style: chr5-90777963-C-T. GRCh37 (hg19) VCF-style: chr5-90073780-C-T.
Other names: short protein forms P4196S.
Identifiers: ClinVar variation 46261 (VCV000046261.17), dbSNP rs397517420, ClinGen allele CA138013.
Genomic context (GRCh38, chr5:90,777,963, plus strand): 5'-AGCCTTGTTCGAGGCCCAGGGATTTTGGGGGAGGTCACAGTGTTCTGGAGGATATTCCCT[C>T]CTTCCGTGGGGGAATTTGCTGAAACATCAGGAAAACTGACAATGCGAGACGAACAGTCTG-3'
Protein context (NP_115495.3, residues 4186-4206): EVTVFWRIFP[Pro4196Ser]SVGEFAETSG